The following is an entry in ClinVar:

NM_000260.4(MYO7A):c.287C>T (p.Thr96Met)

Gene: MYO7A (myosin VIIA; plus strand). Cytogenetic location: 11q13.5.
Variant type: single nucleotide variant.
Coding change: c.287C>T on transcript NM_000260.4 (MANE Select); coding-DNA position 287, C replaced by T.
Protein change: p.Thr96Met; replaces threonine 96 with methionine.
Molecular consequence: missense variant.
Genome position (GRCh38, 1-based): chr11:77,155,908, C>T. VCF-style: chr11-77155908-C-T. GRCh37 (hg19) VCF-style: chr11-76866954-C-T.
Other names: c.287C>T, p.Thr96Met (NM_001127180.2); c.254C>T, p.Thr85Met (NM_001369365.1); short protein forms T96M, T85M.
Identifiers: ClinVar variation 179974 (VCV000179974.12), dbSNP rs781811444, ClinGen allele CA278746.

ClinVar aggregate classification (germline): Conflicting classifications of pathogenicity. Review status: criteria provided, conflicting classifications (1 of 4 stars). 5 submissions from 5 submitters: Pathogenic (1); Likely pathogenic (2); Uncertain significance (2). Last evaluated 2026-01-08.

Conditions:
MYO7A-related disorder. Also called: MYO7A-related disorders.
Rare genetic deafness. Identifiers: Orphanet 96210, MedGen C5680250.

Allele frequency attached by ClinVar (database versions not stated): gnomAD exomes 0.00001; ExAC 0.00004; TOPMed 0.00005; gnomAD 0.00007.
gnomAD v4.1: 18 of 1,596,774 alleles (0.0011%); highest among the groups gnomAD compares: African/African-American, 0.012%; no homozygotes.

Submissions (5):

Women's Health and Genetics/Laboratory Corporation of America, LabCorp
Classification: Uncertain significance. Last evaluated: 2026-01-08. Review status: criteria provided, single submitter. Criteria: LabCorp Variant Classification Summary - May 2015. Collection method: clinical testing. Allele origin: germline.
Comment: Variant summary: MYO7A c.287C>T (p.Thr96Met) results in a non-conservative amino acid change in the encoded protein sequence. Algorithms developed to predict the effect of missense changes on protein structure and function all suggest that this variant is likely to be disruptive. Consensus agreement among computation tools predict no significant impact on normal splicing. However, these predictions have yet to be confirmed by functional studies. The variant allele was found at a frequency of 1.3e-05 in 230894 control chromosomes. The available data on variant occurrences in the general population are insufficient to allow any conclusion about variant significance. c.287C>T has been observed in the presumed compound heterozygous state in at least 1 individual(s) affected with deafness (example, Yan_2016). These data do not allow any conclusion about variant significance. To our knowledge, no experimental evidence demonstrating an impact on protein function has been reported. The following publications have been ascertained in the context of this evaluation (PMID: 27344577, 28642064, 28027327). ClinVar contains an entry for this variant (Variation ID: 179974). Based on the evidence outlined above, the variant was classified as uncertain significance.

Labcorp Genetics (formerly Invitae), Labcorp
Classification: Uncertain significance. Last evaluated: 2025-04-20. Review status: criteria provided, single submitter. Criteria: Invitae Variant Classification Sherloc (09022015). Collection method: clinical testing. Allele origin: germline.
Comment: This sequence change replaces threonine, which is neutral and polar, with methionine, which is neutral and non-polar, at codon 96 of the MYO7A protein (p.Thr96Met). This variant is present in population databases (rs781811444, gnomAD 0.01%). This missense change has been observed in individual(s) with non-syndromic deafness (PMID: 27344577). ClinVar contains an entry for this variant (Variation ID: 179974). An algorithm developed to predict the effect of missense changes on protein structure and function (PolyPhen-2) suggests that this variant is likely to be disruptive. In summary, the available evidence is currently insufficient to determine the role of this variant in disease. Therefore, it has been classified as a Variant of Uncertain Significance.

Blueprint Genetics
Classification: Pathogenic for MYO7A-related disorders. Last evaluated: 2022-10-12. Review status: criteria provided, single submitter. Criteria: ACMG Guidelines, 2015. Collection method: clinical testing. Allele origin: germline. Affected: yes. Observed: 2 variant alleles.

Clinical Genetics Laboratory, Skane University Hospital Lund
Classification: Likely pathogenic. Last evaluated: 2022-05-27. Review status: criteria provided, single submitter. Criteria: ACMG Guidelines, 2015. Collection method: clinical testing. Allele origin: germline. Affected: yes.

Laboratory for Molecular Medicine, Mass General Brigham Personalized Medicine
Classification: Likely pathogenic for Rare genetic deafness. Last evaluated: 2014-11-05. Review status: criteria provided, single submitter. Criteria: LMM Criteria. Collection method: clinical testing. Allele origin: germline. Inheritance: Autosomal recessive inheritance. Observed: 2 variant alleles.
Comment: Both individuals carried this variant in trans with a second pathogenic variant in MYO7A. Computational prediction tools and conservation analyses suggest that the p.Thr98Met variant may impact the pro tein, though this information is not predictive enough to determine pathogenicit y. However, the presence of this variant in combination with a reported pathogen ic variant and in an individual with hearing loss and retinitis pigmentosa, incr eases the likelihood that the p.Thr96Met variant is pathogenic. In summary, alth ough additional studies are required to fully establish its clinical significanc e, this variant is likely pathogenic.

Literature cited by the submitters: PubMed 28642064 (cited by Women's Health and Genetics/Laboratory Corporation of America, LabCorp); PubMed 28027327 (cited by Women's Health and Genetics/Laboratory Corporation of America, LabCorp); PubMed 27344577 (cited by Women's Health and Genetics/Laboratory Corporation of America, LabCorp and Labcorp Genetics (formerly Invitae), Labcorp).